The following is an entry in ClinVar:

ClinVar aggregate classification (germline): Benign (0 of 4 stars; one submission).

Conditions:
PIK3C2B-related disorder. Also called: PIK3C2B-related condition.

Allele frequency attached by ClinVar (database versions not stated): gnomAD exomes 0.00028; ExAC 0.00092; gnomAD 0.00244; ESP Exome Variant Server 0.00346; TOPMed 0.00241; 1000 Genomes Project 30x 0.00422; 1000 Genomes Project 0.00479.
gnomAD v4.1: 826 of 1,601,120 alleles (0.052%); highest among the groups gnomAD compares: African/African-American, 0.87%; 6 homozygotes.

Submission:

PreventionGenetics, part of Exact Sciences
Classification: Benign for PIK3C2B-related condition. Last evaluated: 2024-08-28. Review status: no assertion criteria provided. Collection method: clinical testing. Allele origin: germline.
Comment: This variant is classified as benign based on ACMG/AMP sequence variant interpretation guidelines (Richards et al. 2015 PMID: 25741868, with internal and published modifications).

NM_001377334.1(PIK3C2B):c.2577C>T (p.Ser859=)

Gene: PIK3C2B (phosphatidylinositol-4-phosphate 3-kinase catalytic subunit type 2 beta; minus strand). Cytogenetic location: 1q32.1.
Variant type: single nucleotide variant.
Coding change: c.2577C>T on transcript NM_001377334.1 (MANE Select); coding-DNA position 2577, C replaced by T.
Protein change: p.Ser859=; no amino-acid change (serine 859 retained).
Molecular consequence: synonymous variant. On other transcripts: intron variant (1).
Genome position (GRCh38, 1-based): chr1:204,446,057, G>A on the plus strand (C>T on the coding strand, the complement: PIK3C2B is on the minus strand). VCF-style: chr1-204446057-G-A. GRCh37 (hg19) VCF-style: chr1-204415185-G-A.
Other names: c.2577C>T, p.Ser859= (NM_002646.4); c.2547+30C>T (NM_001377335.1).
Identifiers: ClinVar variation 3057476 (VCV003057476.2), dbSNP rs113060235, ClinGen allele CA1347642.